The following is an entry in ClinVar:

ClinVar aggregate classification (germline): Uncertain significance (1 of 4 stars; one submission).

Allele frequency attached by ClinVar (database versions not stated): ExAC 0.00001; gnomAD exomes 0.00002; TOPMed 0.00015; gnomAD 0.00021.
gnomAD v4.1: 43 of 1,613,918 alleles (0.0027%); highest among the groups gnomAD compares: Admixed American, 0.067%; no homozygotes.

Submission:

Labcorp Genetics (formerly Invitae), Labcorp
Classification: Uncertain significance. Last evaluated: 2022-08-21. Review status: criteria provided, single submitter. Criteria: Invitae Variant Classification Sherloc (09022015). Collection method: clinical testing. Allele origin: germline.
Comment: In summary, the available evidence is currently insufficient to determine the role of this variant in disease. Therefore, it has been classified as a Variant of Uncertain Significance. Experimental studies and prediction algorithms are not available or were not evaluated, and the functional significance of this variant is currently unknown. This variant has not been reported in the literature in individuals affected with COL18A1-related conditions. This variant is present in population databases (rs777884882, gnomAD 0.02%). This sequence change replaces phenylalanine, which is neutral and non-polar, with leucine, which is neutral and non-polar, at codon 92 of the COL18A1 protein (p.Phe92Leu).

NM_001379500.1(COL18A1):c.274T>C (p.Phe92Leu)

Gene: COL18A1 (collagen type XVIII alpha 1 chain; plus strand). Cytogenetic location: 21q22.3.
Variant type: single nucleotide variant.
Coding change: c.274T>C on transcript NM_001379500.1 (MANE Select); coding-DNA position 274, T replaced by C.
Protein change: p.Phe92Leu; replaces phenylalanine 92 with leucine.
Molecular consequence: missense variant.
Genome position (GRCh38, 1-based): chr21:45,468,409, T>C. VCF-style: chr21-45468409-T-C. GRCh37 (hg19) VCF-style: chr21-46888323-T-C.
Other names: c.814T>C, p.Phe272Leu (NM_030582.4); c.1519T>C, p.Phe507Leu (NM_130444.3); short protein forms F92L, F272L, F507L.
Identifiers: ClinVar variation 1942147 (VCV001942147.4), dbSNP rs777884882, ClinGen allele CA10065712.